The following is an entry in ClinVar:

NM_002755.4(MAP2K1):c.64G>A (p.Gly22Arg)

Gene: MAP2K1 (mitogen-activated protein kinase kinase 1; plus strand). Cytogenetic location: 15q22.31.
Variant type: single nucleotide variant.
Coding change: c.64G>A on transcript NM_002755.4 (MANE Select); coding-DNA position 64, G replaced by A.
Protein change: p.Gly22Arg; replaces glycine 22 with arginine.
Molecular consequence: missense variant.
Genome position (GRCh38, 1-based): chr15:66,387,411, G>A. VCF-style: chr15-66387411-G-A. GRCh37 (hg19) VCF-style: chr15-66679749-G-A.
Other names: short protein forms G22R.
Identifiers: ClinVar variation 3719499 (VCV003719499.2).

ClinVar aggregate classification (germline): Uncertain significance (1 of 4 stars; one submission).

Conditions:
RASopathy. Also called: rasopathies; Noonan spectrum disorder. Identifiers: Orphanet 536391, MedGen C5555857, MONDO:0021060.

Submission:

Labcorp Genetics (formerly Invitae), Labcorp
Classification: Uncertain significance for RASopathy. Last evaluated: 2024-03-17. Review status: criteria provided, single submitter. Criteria: Invitae Variant Classification Sherloc (09022015). Collection method: clinical testing. Allele origin: germline.
Comment: This sequence change replaces glycine, which is neutral and non-polar, with arginine, which is basic and polar, at codon 22 of the MAP2K1 protein (p.Gly22Arg). This variant is not present in population databases (gnomAD no frequency). This variant has not been reported in the literature in individuals affected with MAP2K1-related conditions. An algorithm developed to predict the effect of missense changes on protein structure and function (PolyPhen-2) suggests that this variant is likely to be tolerated. In summary, the available evidence is currently insufficient to determine the role of this variant in disease. Therefore, it has been classified as a Variant of Uncertain Significance.